The following is an entry in ClinVar:

ClinVar aggregate classification (germline): Pathogenic. Review status: criteria provided, multiple submitters, no conflicts (2 of 4 stars). 4 submissions from 4 submitters: Pathogenic (3). 1 of the submissions does not count toward it. Last evaluated 2025-05-05.

Conditions:
ABCA4-related disorder. Also called: ABCA4-related condition; ABCA4-related disorders. Identifiers: MedGen CN239167.
Retinal dystrophy. Also called: Inherited retinal dystrophy. Identifiers: Orphanet 71862, MedGen C0854723, MeSH D058499, MONDO:0019118, HP:0000556.
Stargardt disease 3. Also called: MACULAR DYSTROPHY WITH FLECKS, TYPE 3; STARGARDT-LIKE MACULAR DYSTROPHY, AUTOSOMAL DOMINANT. Identifiers: Orphanet 827, MedGen C1838644, MONDO:0010819, OMIM 600110.

Allele frequency attached by ClinVar (database versions not stated): gnomAD exomes below 0.00001; ExAC 0.00001.
gnomAD v4.1: 1 of 1,614,188 alleles (0.000062%); highest among the groups gnomAD compares: Admixed American, 0.0017%; no homozygotes.

Submissions (4):

Labcorp Genetics (formerly Invitae), Labcorp
Classification: Pathogenic. Last evaluated: 2025-05-05. Review status: criteria provided, single submitter. Criteria: Invitae Variant Classification Sherloc (09022015). Collection method: clinical testing. Allele origin: germline.
Comment: This sequence change replaces leucine, which is neutral and non-polar, with proline, which is neutral and non-polar, at codon 857 of the ABCA4 protein (p.Leu857Pro). The frequency data for this variant in the population databases is considered unreliable, as metrics indicate poor data quality at this position in the gnomAD database. This missense change has been observed in individual(s) with Stargardt disease and retinitis pigmentosa (PMID: 31212395, 31318848, 32783370; internal data). In at least one individual the data is consistent with being in trans (on the opposite chromosome) from a pathogenic variant. ClinVar contains an entry for this variant (Variation ID: 867186). Invitae Evidence Modeling of protein sequence and biophysical properties (such as structural, functional, and spatial information, amino acid conservation, physicochemical variation, residue mobility, and thermodynamic stability) indicates that this missense variant is expected to disrupt ABCA4 protein function with a positive predictive value of 95%. For these reasons, this variant has been classified as Pathogenic.

Dubai Health Genomic Medicine Center, Dubai Health
Classification: Pathogenic for Retinal dystrophy. Last evaluated: 2024-10-04. Review status: criteria provided, single submitter. Criteria: ACMG Guidelines, 2015. Collection method: research. Allele origin: germline. Affected: yes.
Comment: PM3(strong),PM1,PM2,PP3,PP1

Blueprint Genetics
Classification: Pathogenic for ABCA4-related disorders. Last evaluated: 2019-07-03. Review status: criteria provided, single submitter. Criteria: ACMG Guidelines, 2015. Collection method: clinical testing. Allele origin: germline. Affected: yes. Observed: 2 variant alleles.

Ophthalmo-Genetics Lab, Instituto de Oftalmologia Conde de Valenciana
Classification: Pathogenic for Stargardt disease 3. Review status: no assertion criteria provided. Collection method: research. Allele origin: germline. Inheritance: Autosomal recessive inheritance. Affected: yes. Not counted in ClinVar's aggregate classification.

Literature cited by the submitters: PubMed 31212395 (cited by Labcorp Genetics (formerly Invitae), Labcorp); PubMed 31318848 (cited by Labcorp Genetics (formerly Invitae), Labcorp and Ophthalmo-Genetics Lab, Instituto de Oftalmologia Conde de Valenciana); PubMed 32783370 (cited by Labcorp Genetics (formerly Invitae), Labcorp).

NM_000350.3(ABCA4):c.2570T>C (p.Leu857Pro)

Gene: ABCA4 (ATP binding cassette subfamily A member 4; minus strand). Cytogenetic location: 1p22.1.
Variant type: single nucleotide variant.
Coding change: c.2570T>C on transcript NM_000350.3 (MANE Select); coding-DNA position 2570, T replaced by C.
Protein change: p.Leu857Pro; replaces leucine 857 with proline.
Molecular consequence: missense variant.
Genome position (GRCh38, 1-based): chr1:94,055,128, A>G on the plus strand (T>C on the coding strand, the complement: ABCA4 is on the minus strand). VCF-style: chr1-94055128-A-G. GRCh37 (hg19) VCF-style: chr1-94520684-A-G.
Other names: c.2348T>C, p.Leu783Pro (NM_001425324.1); short protein forms L857P, L783P.
Identifiers: ClinVar variation 867186 (VCV000867186.11), dbSNP rs768435443, ClinGen allele CA958244.